The following is an entry in ClinVar:

NM_152327.5(AK7):c.153GGAAGA[1] (p.Glu53_Glu56del)

Gene: AK7 (adenylate kinase 7; plus strand). Cytogenetic location: 14q32.2.
Variant type: Microsatellite.
Coding change: c.153GGAAGA[1] on transcript NM_152327.5 (MANE Select); one copy of the 6-base unit GGAAGA starting at c.153; the reference has three copies in a row; two copies, 12 bases deleted.
Protein change: p.Glu53_Glu56del.
Molecular consequence: inframe deletion.
Genome position (GRCh38, 1-based): chr14:96,398,128-96,398,139, GGAAGAGGAAGA deleted; deleting any 12 consecutive bases within chr14:96,398,119-96,398,139 gives the same sequence; the position shown is the placement nearest the transcript's 3' end. VCF-style (leftmost placement, unchanged base first): chr14-96398118-CAGAGGAAGAGGA-C. GRCh37 (hg19) VCF-style: chr14-96864455-CAGAGGAAGAGGA-C.
Other names: c.153GGAAGA[1], p.Glu53_Glu56del (NM_001350888.2, NM_001350890.2, NM_001350891.2 and 1 more transcripts).
Identifiers: ClinVar variation 1478833 (VCV001478833.6), dbSNP rs746369518, ClinGen allele CA7337360.
Genomic context (GRCh38, chr14:96,398,118, plus strand): 5'-TTTCTGTTTCCTTGCAGTTTCTATCTAACTGTGTAGTTGGGGCTTCGCTTGAAGAAATTA[CAGAGGAAGAGGA>C]AGAGGAAGATGAAAATAAGTCAGCTATGCTGGAAGCTTCCTCAACCAAAGTGAAGGAAGG-3'

ClinVar aggregate classification (germline): Uncertain significance (1 of 4 stars; one submission).

Submission:

Labcorp Genetics (formerly Invitae), Labcorp
Classification: Uncertain significance. Last evaluated: 2026-01-19. Review status: criteria provided, single submitter. Criteria: Invitae Variant Classification Sherloc (09022015). Collection method: clinical testing. Allele origin: germline.
Comment: This variant, c.159_170del, results in the deletion of 4 amino acid(s) of the AK7 protein (p.Glu53_Glu56del), but otherwise preserves the integrity of the reading frame. This variant is present in population databases (rs776901819, gnomAD 0.07%). This variant has not been reported in the literature in individuals affected with AK7-related conditions. Experimental studies and prediction algorithms are not available or were not evaluated, and the functional significance of this variant is currently unknown. In summary, the available evidence is currently insufficient to determine the role of this variant in disease. Therefore, it has been classified as a Variant of Uncertain Significance.